The following is an entry in ClinVar:

NM_207361.6(FREM2):c.203C>A (p.Ala68Asp)

Gene: FREM2 (FRAS1 related extracellular matrix 2; plus strand). Cytogenetic location: 13q13.3.
Variant type: single nucleotide variant.
Coding change: c.203C>A on transcript NM_207361.6 (MANE Select); coding-DNA position 203, C replaced by A.
Protein change: p.Ala68Asp; replaces alanine 68 with aspartic acid.
Molecular consequence: missense variant.
Genome position (GRCh38, 1-based): chr13:38,687,547, C>A. VCF-style: chr13-38687547-C-A. GRCh37 (hg19) VCF-style: chr13-39261684-C-A.
Other names: short protein forms A68D.
Identifiers: ClinVar variation 3678877 (VCV003678877.1).

ClinVar aggregate classification (germline): Uncertain significance (1 of 4 stars; one submission).

gnomAD v4.1: 3 of 1,601,508 alleles (0.00019%); highest among the groups gnomAD compares: East Asian, 0.0022%; no homozygotes.

Submission:

Labcorp Genetics (formerly Invitae), Labcorp
Classification: Uncertain significance. Last evaluated: 2024-10-22. Review status: criteria provided, single submitter. Criteria: Invitae Variant Classification Sherloc (09022015). Collection method: clinical testing. Allele origin: germline.
Comment: This sequence change replaces alanine, which is neutral and non-polar, with aspartic acid, which is acidic and polar, at codon 68 of the FREM2 protein (p.Ala68Asp). The frequency data for this variant in the population databases is considered unreliable, as metrics indicate poor data quality at this position in the gnomAD database. This variant has not been reported in the literature in individuals affected with FREM2-related conditions. An algorithm developed to predict the effect of missense changes on protein structure and function (PolyPhen-2) suggests that this variant¬†is likely to be tolerated. In summary, the available evidence is currently insufficient to determine the role of this variant in disease. Therefore, it has been classified as a Variant of Uncertain Significance.